The following is an entry in ClinVar:

ClinVar aggregate classification (germline): Uncertain significance (1 of 4 stars; one submission).

Conditions:
RYR1-related disorder. Also called: RYR1-related disorders; RYR1-related condition. Identifiers: MedGen CN239331.

gnomAD v4.1: 5 of 1,612,724 alleles (0.00031%); highest among the groups gnomAD compares: Non-Finnish European, 0.00034%; no homozygotes.

Submission:

PreventionGenetics, part of Exact Sciences
Classification: Uncertain significance for RYR1-related condition. Last evaluated: 2025-08-06. Review status: criteria provided, single submitter. Criteria: ACMG Guidelines, 2015. Collection method: clinical testing. Allele origin: germline.
Comment: The RYR1 c.5428A>G variant is predicted to result in the amino acid substitution p.Lys1810Glu. To our knowledge, this variant has not been reported in the literature or in a large population database, indicating this variant is rare. At this time, the clinical significance of this variant is uncertain due to the absence of conclusive functional and genetic evidence.

NM_000540.3(RYR1):c.5428A>G (p.Lys1810Glu)

Gene: RYR1 (ryanodine receptor 1; plus strand). Cytogenetic location: 19q13.2.
Variant type: single nucleotide variant.
Coding change: c.5428A>G on transcript NM_000540.3 (MANE Select); coding-DNA position 5428, A replaced by G.
Protein change: p.Lys1810Glu; replaces lysine 1810 with glutamic acid.
Molecular consequence: missense variant.
Genome position (GRCh38, 1-based): chr19:38,486,083, A>G. VCF-style: chr19-38486083-A-G. GRCh37 (hg19) VCF-style: chr19-38976723-A-G.
Other names: c.5428A>G, p.Lys1810Glu (NM_001042723.2); short protein forms K1810E.
Identifiers: ClinVar variation 5002029 (VCV005002029.1).